The following is an entry in ClinVar:

NM_032221.5(CHD6):c.948G>A (p.Glu316=)

Gene: CHD6 (chromodomain helicase DNA binding protein 6; minus strand). Cytogenetic location: 20q12.
Variant type: single nucleotide variant.
Coding change: c.948G>A on transcript NM_032221.5 (MANE Select); coding-DNA position 948, G replaced by A.
Protein change: p.Glu316=; no amino-acid change (glutamic acid 316 retained).
Molecular consequence: synonymous variant.
Genome position (GRCh38, 1-based): chr20:41,498,194, C>T on the plus strand (G>A on the coding strand, the complement: CHD6 is on the minus strand). VCF-style: chr20-41498194-C-T. GRCh37 (hg19) VCF-style: chr20-40126834-C-T.
Identifiers: ClinVar variation 2652337 (VCV002652337.24), dbSNP rs2516565451, ClinGen allele CA510558038.

ClinVar aggregate classification (germline): Likely benign (1 of 4 stars; one submission).

Allele frequency attached by ClinVar (database versions not stated): gnomAD exomes below 0.00001.

Submission:

CeGaT Center for Human Genetics Tuebingen
Classification: Likely benign. Last evaluated: 2022-03-01. Review status: criteria provided, single submitter. Criteria: CeGaT Center For Human Genetics Tuebingen Variant Classification Criteria Version 2. Collection method: clinical testing. Allele origin: germline. Affected: yes. Observed: 1 variant allele.
Comment: CHD6: PM2:Supporting, BP4, BP7